The following is an entry in ClinVar:

ClinVar aggregate classification (germline): Uncertain significance (1 of 4 stars; one submission).

Conditions:
Inborn genetic diseases. Identifiers: MedGen C0950123, MeSH D030342.

gnomAD v4.1: 1 of 1,560,446 alleles (0.000064%); highest among the groups gnomAD compares: Non-Finnish European, 0.000087%; no homozygotes.

Submission:

Ambry Genetics
Classification: Uncertain significance for Inborn genetic diseases. Last evaluated: 2025-10-16. Review status: criteria provided, single submitter. Criteria: Ambry Variant Classification Scheme 2023. Collection method: clinical testing. Allele origin: germline.
Comment: The p.G136S variant (also known as c.406G>A), located in coding exon 2 of the GATA2 gene, results from a G to A substitution at nucleotide position 406. The glycine at codon 136 is replaced by serine, an amino acid with similar properties. This amino acid position is conserved. In addition, the in silico prediction for this alteration is inconclusive. Based on the available evidence, the clinical significance of this variant remains unclear.

NM_032638.5(GATA2):c.406G>A (p.Gly136Ser)

Gene: GATA2 (GATA binding protein 2; minus strand). Cytogenetic location: 3q21.3.
Variant type: single nucleotide variant.
Coding change: c.406G>A on transcript NM_032638.5 (MANE Select); coding-DNA position 406, G replaced by A.
Protein change: p.Gly136Ser; replaces glycine 136 with serine.
Molecular consequence: missense variant.
Genome position (GRCh38, 1-based): chr3:128,486,192, C>T on the plus strand (G>A on the coding strand, the complement: GATA2 is on the minus strand). VCF-style: chr3-128486192-C-T. GRCh37 (hg19) VCF-style: chr3-128205035-C-T.
Other names: c.406G>A, p.Gly136Ser (NM_001145661.2, NM_001145662.1); short protein forms G136S.
Identifiers: ClinVar variation 4620628 (VCV004620628.1).